The following is an entry in ClinVar:

NM_152383.5(DIS3L2):c.2167G>A (p.Glu723Lys)

Gene: DIS3L2 (DIS3 like 3'-5' exoribonuclease 2; plus strand). Cytogenetic location: 2q37.1.
Variant type: single nucleotide variant.
Coding change: c.2167G>A on transcript NM_152383.5 (MANE Select); coding-DNA position 2167, G replaced by A.
Protein change: p.Glu723Lys; replaces glutamic acid 723 with lysine.
Molecular consequence: missense variant. On other transcripts: non-coding transcript variant (2), intron variant (1).
Genome position (GRCh38, 1-based): chr2:232,334,377, G>A. VCF-style: chr2-232334377-G-A. GRCh37 (hg19) VCF-style: chr2-233199087-G-A.
Other names: c.1582-8968G>A (NM_001257281.2); short protein forms E723K.
Identifiers: ClinVar variation 569383 (VCV000569383.10), dbSNP rs767760081, ClinGen allele CA2164435.

ClinVar aggregate classification (germline): Uncertain significance (1 of 4 stars; one submission).

Conditions:
Perlman syndrome (PRLMNS). Identifiers: Orphanet 2849, MedGen C0796113, MONDO:0009965, OMIM 267000.

Allele frequency attached by ClinVar (database versions not stated): gnomAD exomes below 0.00001; ExAC 0.00001; gnomAD 0.00001; TOPMed 0.00001.

Submission:

Labcorp Genetics (formerly Invitae), Labcorp
Classification: Uncertain significance for Perlman syndrome. Last evaluated: 2022-06-10. Review status: criteria provided, single submitter. Criteria: Invitae Variant Classification Sherloc (09022015). Collection method: clinical testing. Allele origin: germline.
Comment: Algorithms developed to predict the effect of missense changes on protein structure and function output the following: SIFT: "Tolerated"; PolyPhen-2: "Benign"; Align-GVGD: "Class C0". The lysine amino acid residue is found in multiple mammalian species, which suggests that this missense change does not adversely affect protein function. In summary, the available evidence is currently insufficient to determine the role of this variant in disease. Therefore, it has been classified as a Variant of Uncertain Significance. ClinVar contains an entry for this variant (Variation ID: 569383). This variant has not been reported in the literature in individuals affected with DIS3L2-related conditions. This variant is present in population databases (rs767760081, gnomAD 0.007%). This sequence change replaces glutamic acid, which is acidic and polar, with lysine, which is basic and polar, at codon 723 of the DIS3L2 protein (p.Glu723Lys).